The following is an entry in ClinVar:

ClinVar aggregate classification (germline): Likely benign (1 of 4 stars; one submission).

Allele frequency attached by ClinVar (database versions not stated): gnomAD exomes 0.00014; ExAC 0.00020; gnomAD 0.00113.
gnomAD v4.1: 343 of 1,374,522 alleles (0.025%); highest among the groups gnomAD compares: African/African-American, 0.49%; no homozygotes.

Submission:

CeGaT Center for Human Genetics Tuebingen
Classification: Likely benign. Last evaluated: 2024-06-01. Review status: criteria provided, single submitter. Criteria: CeGaT Center For Human Genetics Tuebingen Variant Classification Criteria Version 2. Collection method: clinical testing. Allele origin: germline. Affected: yes. Observed: 1 variant allele.
Comment: TBP: BP4, BP7

NM_003194.5(TBP):c.237G>A (p.Gln79=)

Genes: TBP (TATA-box binding protein; plus strand), LOC108663996 (TATA-box binding protein repeat instability region; plus strand). Cytogenetic location: 6q27.
Variant type: single nucleotide variant.
Coding change: c.237G>A on transcript NM_003194.5 (MANE Select); coding-DNA position 237, G replaced by A.
Protein change: p.Gln79=; no amino-acid change (glutamine 79 retained).
Molecular consequence: synonymous variant.
Genome position (GRCh38, 1-based): chr6:170,561,973, G>A. VCF-style: chr6-170561973-G-A. GRCh37 (hg19) VCF-style: chr6-170871061-G-A.
Other names: c.177G>A, p.Gln59= (NM_001172085.2).
Identifiers: ClinVar variation 3250531 (VCV003250531.18), dbSNP rs749604546.